The following is an entry in ClinVar:

ClinVar aggregate classification (germline): Pathogenic (1 of 4 stars; one submission).

Conditions:
Galactosylceramide beta-galactosidase deficiency. Also called: GALACTOCEREBROSIDASE DEFICIENCY; GALC DEFICIENCY; GLOBOID CELL LEUKOENCEPHALOPATHY; Leukodystrophy, Globoid Cell; Krabbe Disease. Identifiers: Orphanet 487, MedGen C0023521, MONDO:0009499, OMIM 245200.

Submission:

Myriad Genetics, Inc.
Classification: Pathogenic for Galactosylceramide beta-galactosidase deficiency. Last evaluated: 2025-01-10. Review status: criteria provided, single submitter. Criteria: Myriad Autosomal Dominant, Autosomal Recessive and X-Linked Classification Criteria (2023). Collection method: clinical testing. Allele origin: unknown.
Comment: NM_000153.3(GALC):c.1141delA(T381Pfs*7) is expected to be pathogenic in the context of Krabbe disease. This variant is predicted to lead to an abnormal or absent protein product due to the creation of a premature termination codon in GALC, a gene where loss-of-function variants are known to be pathogenic. Please note: this variant was assessed in the context of healthy population screening.

NM_000153.4(GALC):c.1141del (p.Thr381fs)

Gene: GALC (galactosylceramidase; minus strand). Cytogenetic location: 14q31.3.
Variant type: Deletion.
Coding change: c.1141del on transcript NM_000153.4 (MANE Select); coding-DNA position 1141, one base deleted (A; older notation c.1141delA).
Protein change: p.Thr381fs; shifts the reading frame from threonine 381.
Molecular consequence: frameshift variant. On other transcripts: non-coding transcript variant (1).
Genome position (GRCh38, 1-based): chr14:87,963,404, T deleted on the plus strand (A on the coding strand, the reverse complement: GALC is on the minus strand). VCF-style (leftmost placement, unchanged base first): chr14-87963403-GT-G. GRCh37 (hg19) VCF-style: chr14-88429747-GT-G.
Other names: c.1072del, p.Thr358fs (NM_001201401.2); c.1063del, p.Thr355fs (NM_001201402.2); c.973del, p.Thr325fs (NM_001424071.1, NM_001424072.1, NM_001424073.1); c.793del, p.Thr265fs (NM_001424074.1, NM_001424075.1); c.508del, p.Thr170fs (NM_001424076.1, NM_001424077.1); short protein forms T170fs, T265fs, T325fs, T355fs, T358fs, T381fs.
Identifiers: ClinVar variation 5013939 (VCV005013939.1).
Genomic context (GRCh38, chr14:87,963,403, plus strand): 5'-TAAAGAAGTGAGTTAATCCAATAGCAACAACAAAAGTTTACCATGGTTTCAATGATGATG[GT>G]GAGGTTCCCTAAGCCATCAGTCAGAGCTACGTAGCTTCCTCCTTTCTCTAAATGGCCAAC-3'